The following is an entry in ClinVar:

NM_000053.4(ATP7B):c.769G>T (p.Val257Phe)

Gene: ATP7B (ATPase copper transporting beta; minus strand). Cytogenetic location: 13q14.3.
Variant type: single nucleotide variant.
Coding change: c.769G>T on transcript NM_000053.4 (MANE Select); coding-DNA position 769, G replaced by T.
Protein change: p.Val257Phe; replaces valine 257 with phenylalanine.
Molecular consequence: missense variant.
Genome position (GRCh38, 1-based): chr13:51,974,451, C>A on the plus strand (G>T on the coding strand, the complement: ATP7B is on the minus strand). VCF-style: chr13-51974451-C-A. GRCh37 (hg19) VCF-style: chr13-52548587-C-A.
Other names: c.769G>T, p.Val257Phe (NM_001005918.3, NM_001243182.2, NM_001330578.2 and 1 more transcripts); short protein forms V257F.
Identifiers: ClinVar variation 944603 (VCV000944603.8), dbSNP rs373242731, ClinGen allele CA6989500.

ClinVar aggregate classification (germline): Uncertain significance. Review status: criteria provided, multiple submitters, no conflicts (2 of 4 stars). 3 submissions from 3 submitters: Uncertain significance (3). Last evaluated 2022-11-07.

Conditions:
Wilson disease (WND). Also called: Wilson's disease. Identifiers: Orphanet 905, MedGen C0019202, MONDO:0010200, OMIM 277900. Disease mechanism: loss of function.

Allele frequency attached by ClinVar (database versions not stated): gnomAD exomes below 0.00001; ExAC 0.00001; gnomAD 0.00001; TOPMed 0.00002; ESP Exome Variant Server 0.00008.
gnomAD v4.1: 16 of 1,613,902 alleles (0.00099%); highest among the groups gnomAD compares: Non-Finnish European, 0.0013%; no homozygotes.

Submissions (3):

Color Diagnostics, LLC DBA Color Health
Classification: Uncertain significance for Wilson disease. Last evaluated: 2022-11-07. Review status: criteria provided, single submitter. Criteria: ACMG Guidelines, 2015. Collection method: clinical testing. Allele origin: germline.
Comment: This missense variant replaces valine with phenylalanine at codon 257 of the ATP7B protein. Computational prediction suggests that this variant may not impact protein structure and function. To our knowledge, functional studies have not been reported for this variant. This variant has not been reported in individuals affected with ATP7B-related disorders in the literature. This variant has been identified in 1/248774 chromosomes in the general population by the Genome Aggregation Database (gnomAD). The available evidence is insufficient to determine the role of this variant in disease conclusively. Therefore, this variant is classified as a Variant of Uncertain Significance.

Fulgent Genetics
Classification: Uncertain significance for Wilson disease. Last evaluated: 2021-12-09. Review status: criteria provided, single submitter. Criteria: ACMG Guidelines, 2015. Collection method: clinical testing. Allele origin: unknown.

Labcorp Genetics (formerly Invitae), Labcorp
Classification: Uncertain significance for Wilson disease. Last evaluated: 2021-08-27. Review status: criteria provided, single submitter. Criteria: Invitae Variant Classification Sherloc (09022015). Collection method: clinical testing. Allele origin: germline.
Comment: This sequence change replaces valine with phenylalanine at codon 257 of the ATP7B protein (p.Val257Phe). The valine residue is weakly conserved and there is a small physicochemical difference between valine and phenylalanine. This variant is present in population databases (rs373242731, ExAC 0.002%). This variant has not been reported in the literature in individuals affected with ATP7B-related conditions. Algorithms developed to predict the effect of missense changes on protein structure and function (SIFT, PolyPhen-2, Align-GVGD) all suggest that this variant is likely to be tolerated. In summary, the available evidence is currently insufficient to determine the role of this variant in disease. Therefore, it has been classified as a Variant of Uncertain Significance.